The following is an entry in ClinVar:

NM_001123385.2(BCOR):c.4054G>A (p.Asp1352Asn)

Gene: BCOR (BCL6 corepressor; minus strand). Cytogenetic location: Xp11.4.
Variant type: single nucleotide variant.
Coding change: c.4054G>A on transcript NM_001123385.2 (MANE Select); coding-DNA position 4054, G replaced by A.
Protein change: p.Asp1352Asn; replaces aspartic acid 1352 with asparagine.
Molecular consequence: missense variant.
Genome position (GRCh38, 1-based): chrX:40,062,865, C>T on the plus strand (G>A on the coding strand, the complement: BCOR is on the minus strand). VCF-style: chrX-40062865-C-T. GRCh37 (hg19) VCF-style: chrX-39922118-C-T.
Other names: c.3952G>A, p.Asp1318Asn (NM_001123383.2, NM_017745.6); c.3898G>A, p.Asp1300Asn (NM_001123384.2); short protein forms D1300N, D1352N, D1318N.
Identifiers: ClinVar variation 3697432 (VCV003697432.3).

ClinVar aggregate classification (germline): Uncertain significance. Review status: criteria provided, multiple submitters, no conflicts (2 of 4 stars). 2 submissions from 2 submitters: Uncertain significance (2). Last evaluated 2026-01-28.

Conditions:
Oculofaciocardiodental syndrome (MCOPS2). Identifiers: Orphanet 2712, MedGen C1846265, MONDO:0010261, OMIM 300166.

gnomAD v4.1: 26 of 1,209,868 alleles (0.0021%); highest among the groups gnomAD compares: Middle Eastern, 0.023%; no homozygotes.

Submissions (2):

Women's Health and Genetics/Laboratory Corporation of America, LabCorp
Classification: Uncertain significance. Last evaluated: 2026-01-28. Review status: criteria provided, single submitter. Criteria: LabCorp Variant Classification Summary - May 2015. Collection method: clinical testing. Allele origin: germline.
Comment: Variant summary: BCOR c.4054G>A (p.Asp1352Asn) results in a conservative amino acid change located in the BCL-6 corepressor, non-ankyrin-repeat domain (IPR031628) of the encoded protein sequence. Algorithms developed to predict the effect of missense changes on protein structure and function are either unavailable or do not agree on the potential impact of this missense change. The variant allele was found at a frequency of 2.2e-05 in 181632 control chromosomes. The available data on variant occurrences in the general population are insufficient to allow any conclusion about variant significance. To our knowledge, no occurrence of c.4054G>A in individuals affected with BCOR-related conditions and no experimental evidence demonstrating its impact on protein function have been reported. ClinVar contains an entry for this variant (Variation ID: 3697432). Based on the evidence outlined above, the variant was classified as uncertain significance.

Labcorp Genetics (formerly Invitae), Labcorp
Classification: Uncertain significance for Oculofaciocardiodental syndrome. Last evaluated: 2025-04-28. Review status: criteria provided, single submitter. Criteria: Invitae Variant Classification Sherloc (09022015). Collection method: clinical testing. Allele origin: germline.
Comment: This sequence change replaces aspartic acid, which is acidic and polar, with asparagine, which is neutral and polar, at codon 1318 of the BCOR protein (p.Asp1318Asn). This variant is present in population databases (rs768842901, gnomAD 0.007%). This variant has not been reported in the literature in individuals affected with BCOR-related conditions. ClinVar contains an entry for this variant (Variation ID: 3697432). Invitae Evidence Modeling of protein sequence and biophysical properties (such as structural, functional, and spatial information, amino acid conservation, physicochemical variation, residue mobility, and thermodynamic stability) indicates that this missense variant is not expected to disrupt BCOR protein function with a negative predictive value of 80%. In summary, the available evidence is currently insufficient to determine the role of this variant in disease. Therefore, it has been classified as a Variant of Uncertain Significance.

Literature cited by the submitters: PubMed 24047651 (cited by Women's Health and Genetics/Laboratory Corporation of America, LabCorp); PubMed 22012066 (cited by Women's Health and Genetics/Laboratory Corporation of America, LabCorp); PubMed 28827447 (cited by Women's Health and Genetics/Laboratory Corporation of America, LabCorp); PubMed 30333627 (cited by Women's Health and Genetics/Laboratory Corporation of America, LabCorp); PubMed 29663558 (cited by Women's Health and Genetics/Laboratory Corporation of America, LabCorp).